The following is an entry in ClinVar:

ClinVar aggregate classification (germline): Conflicting classifications of pathogenicity. Review status: criteria provided, conflicting classifications (1 of 4 stars). 2 submissions from 2 submitters: Uncertain significance (1); Likely benign (1). Last evaluated 2026-06-29.

Conditions:
Hereditary cancer-predisposing syndrome. Also called: Tumor predisposition; Hereditary neoplastic syndrome; Hereditary Cancer Syndrome; Neoplastic Syndromes, Hereditary. Identifiers: Orphanet 140162, MedGen C0027672, MeSH D009386, MONDO:0015356.
Familial cancer of breast. Also called: Hereditary breast cancer; BREAST CANCER, FAMILIAL; hereditary breast carcinoma. Identifiers: Orphanet 227535, MedGen C0346153, MONDO:0016419, OMIM 114480. Disease mechanism: loss of function.

Submissions (2):

Ambry Genetics
Classification: Likely benign for Hereditary cancer-predisposing syndrome. Last evaluated: 2026-06-29. Review status: criteria provided, single submitter. Criteria: Ambry Variant Classification Scheme 2023. Collection method: clinical testing. Allele origin: germline.

Labcorp Genetics (formerly Invitae), Labcorp
Classification: Uncertain significance for Familial cancer of breast. Last evaluated: 2024-06-30. Review status: criteria provided, single submitter. Criteria: Invitae Variant Classification Sherloc (09022015). Collection method: clinical testing. Allele origin: germline.
Comment: This sequence change replaces arginine, which is basic and polar, with glycine, which is neutral and non-polar, at codon 476 of the PALB2 protein (p.Arg476Gly). This variant is not present in population databases (gnomAD no frequency). This variant has not been reported in the literature in individuals affected with PALB2-related conditions. Advanced modeling of protein sequence and biophysical properties (such as structural, functional, and spatial information, amino acid conservation, physicochemical variation, residue mobility, and thermodynamic stability) performed at Invitae indicates that this missense variant is not expected to disrupt PALB2 protein function with a negative predictive value of 80%. In summary, the available evidence is currently insufficient to determine the role of this variant in disease. Therefore, it has been classified as a Variant of Uncertain Significance.

NM_024675.4(PALB2):c.1426A>G (p.Arg476Gly)

Gene: PALB2 (partner and localizer of BRCA2; minus strand). Cytogenetic location: 16p12.2.
Variant type: single nucleotide variant.
Coding change: c.1426A>G on transcript NM_024675.4 (MANE Select); coding-DNA position 1426, A replaced by G.
Protein change: p.Arg476Gly; replaces arginine 476 with glycine.
Molecular consequence: missense variant. On other transcripts: intron variant (3).
Genome position (GRCh38, 1-based): chr16:23,635,120, T>C on the plus strand (A>G on the coding strand, the complement: PALB2 is on the minus strand). VCF-style: chr16-23635120-T-C. GRCh37 (hg19) VCF-style: chr16-23646441-T-C.
Other names: c.1366A>G, p.Arg456Gly (NM_001407296.1); c.1426A>G, p.Arg476Gly (NM_001407297.1, NM_001407298.1, NM_001407299.1 and 3 more transcripts); c.541A>G, p.Arg181Gly (NM_001407304.1, NM_001407305.1, NM_001407306.1 and 5 more transcripts); c.49-5845A>G (NM_001407314.1); c.-104-4651A>G (NM_001407313.1, NM_001407312.1); short protein forms R181G, R456G, R476G.
Identifiers: ClinVar variation 3675916 (VCV003675916.3).